The following is an entry in ClinVar:

NM_001387430.1(SH2B1):c.50C>A (p.Pro17Gln)

Gene: SH2B1 (SH2B adaptor protein 1; plus strand). Cytogenetic location: 16p11.2.
Variant type: single nucleotide variant.
Coding change: c.50C>A on transcript NM_001387430.1 (MANE Select); coding-DNA position 50, C replaced by A.
Protein change: p.Pro17Gln; replaces proline 17 with glutamine.
Molecular consequence: missense variant. On other transcripts: intron variant (1).
Genome position (GRCh38, 1-based): chr16:28,866,144, C>A. VCF-style: chr16-28866144-C-A. GRCh37 (hg19) VCF-style: chr16-28877465-C-A.
Other names: c.50C>A, p.Pro17Gln (NM_001145795.2, NM_001145796.2, NM_001145797.2 and 4 more transcripts); c.-26-1230C>A (NM_001308294.2); short protein forms P17Q.
Identifiers: ClinVar variation 3357719 (VCV003357719.1).

ClinVar aggregate classification (germline): Uncertain significance (0 of 4 stars; one submission).

Conditions:
SH2B1-related disorder. Also called: SH2B1-related condition.

gnomAD v4.1: 4 of 1,554,090 alleles (0.00026%); highest among the groups gnomAD compares: Admixed American, 0.0057%; no homozygotes.

Submission:

PreventionGenetics, part of Exact Sciences
Classification: Uncertain significance for SH2B1-related condition. Last evaluated: 2024-07-04. Review status: no assertion criteria provided. Collection method: clinical testing. Allele origin: germline.
Comment: The SH2B1 c.50C>A variant is predicted to result in the amino acid substitution p.Pro17Gln. To our knowledge, this variant has not been reported in the literature. This variant is reported in 0.0078% of alleles in individuals of Latino descent in gnomAD. At this time, the clinical significance of this variant is uncertain due to the absence of conclusive functional and genetic evidence.